The following is an entry in ClinVar:

ClinVar aggregate classification (germline): not provided (0 of 4 stars; one submission).

Conditions:
Large for gestational age. Identifiers: MedGen C1848395, HP:0001520.

Submission:

Institute of Molecular and Cell Biology, University of Tartu
No classification provided. Condition: Large for gestational age. Review status: no classification provided. Collection method: case-control. Allele origin: unknown. Affected: yes. Study: Kasak2014.
Comment: The study aimed to determine the contribution of copy number variants in the genetic etiology of normal and complicated pregnancies. The samples represented (i) maternal blood DNA drawn from healthy pregnant women during 1st or 2nd trimester and (ii) maternal and paternal blood DNA drawn at term pregnancy cases representing normal and complicated gestations (severe preeclampsia, PE; gestational diabetes, GD; small-for-gestational age newborn, SGA; large-for-gestational age newborn, LGA). We performed CNV calling based on genome-wide genotyping dataset (Illumina HumanOmniExpress-24-v1 BeadChip) by applying three algorithms, QuantiSNP, GADA (Genome Alteration Detection Algorithm) and CNstream in parallel. The acquired CNV calls were merged with HD-CNV (Hotspot Detector for Copy Number Variants) program and only the CNVs predicted by at least two programs, were considered in subsequent analysis.

Literature cited by the submitters: PubMed 25666259.

Single allele

Variant type: Deletion.
Identifiers: ClinVar variation 157023 (VCV000157023.2).